The following is an entry in ClinVar:

NM_130837.3(OPA1):c.592G>A (p.Asp198Asn)

Gene: OPA1 (OPA1 mitochondrial dynamin like GTPase; plus strand). Cytogenetic location: 3q29.
Variant type: single nucleotide variant.
Coding change: c.592G>A on transcript NM_130837.3 (MANE Select); coding-DNA position 592, G replaced by A.
Protein change: p.Asp198Asn; replaces aspartic acid 198 with asparagine.
Molecular consequence: missense variant. On other transcripts: intron variant (6).
Genome position (GRCh38, 1-based): chr3:193,617,819, G>A. VCF-style: chr3-193617819-G-A. GRCh37 (hg19) VCF-style: chr3-193335608-G-A.
Other names: c.484G>A, p.Asp162Asn (NM_130832.3, NM_130835.3); c.592G>A, p.Asp198Asn (NM_130834.3); c.184+534G>A (NM_001354664.2); c.77-1050G>A (NM_001354663.2); c.556+534G>A (NM_130836.3, NM_015560.3); c.449-1050G>A (NM_130833.3, NM_130831.3); short protein forms D162N, D198N.
Identifiers: ClinVar variation 753346 (VCV000753346.11), dbSNP rs535724954, ClinGen allele CA2759064.

ClinVar aggregate classification (germline): Uncertain significance. Review status: criteria provided, multiple submitters, no conflicts (2 of 4 stars). 4 submissions from 4 submitters: Uncertain significance (2). 2 of the submissions do not count toward it. Last evaluated 2025-06-11.

Allele frequency attached by ClinVar (database versions not stated): ExAC 0.00001; TOPMed 0.00001; gnomAD exomes 0.00002 and 0.00004; gnomAD 0.00004 and 0.00005.
gnomAD v4.1: 66 of 1,612,602 alleles (0.0041%); highest among the groups gnomAD compares: Non-Finnish European, 0.0053%; no homozygotes.

Submissions (4):

Labcorp Genetics (formerly Invitae), Labcorp
Classification: Uncertain significance. Last evaluated: 2025-06-11. Review status: criteria provided, single submitter. Criteria: Invitae Variant Classification Sherloc (09022015). Collection method: clinical testing. Allele origin: germline.
Comment: The OPA1 gene has multiple clinically relevant transcripts. This variant occurs in alternate transcript NM_130837.2, and corresponds to NM_015560.2:c.556+534G>A in the primary transcript. This sequence change replaces aspartic acid, which is acidic and polar, with asparagine, which is neutral and polar, at codon 198 of the OPA1 protein (p.Asp198Asn). This variant is present in population databases (rs535724954, gnomAD 0.006%). This missense change has been observed in individual(s) with OPA1-related condition (PMID: 31500643). ClinVar contains an entry for this variant (Variation ID: 753346). Experimental studies and prediction algorithms are not available or were not evaluated, and the functional significance of this variant is currently unknown. Algorithms developed to predict the effect of sequence changes on RNA splicing suggest that this variant is not likely to affect RNA splicing. In summary, the available evidence is currently insufficient to determine the role of this variant in disease. Therefore, it has been classified as a Variant of Uncertain Significance.

Blueprint Genetics
Classification: Uncertain significance. Last evaluated: 2024-09-08. Review status: criteria provided, single submitter. Criteria: ACMG Guidelines, 2015. Collection method: clinical testing. Allele origin: germline.

Clinical Genetics DNA and cytogenetics Diagnostics Lab, Erasmus MC, Erasmus Medical Center
Classification: Uncertain significance. Review status: no assertion criteria provided. Collection method: clinical testing. Allele origin: germline. Affected: yes. Study: VKGL Data-share Consensus. Not counted in ClinVar's aggregate classification.

Clinical Genetics, Academic Medical Center
Classification: Uncertain significance. Review status: no assertion criteria provided. Collection method: clinical testing. Allele origin: germline. Affected: yes. Study: VKGL Data-share Consensus. Not counted in ClinVar's aggregate classification.

Literature cited by the submitters: PubMed 31500643 (cited by Labcorp Genetics (formerly Invitae), Labcorp).